The following is an entry in ClinVar:

NM_001267550.2(TTN):c.67057+3A>C

Genes: TTN-AS1 (TTN antisense RNA 1; plus strand), TTN (titin; minus strand). Cytogenetic location: 2q31.2.
Variant type: single nucleotide variant.
Coding change: c.67057+3A>C on transcript NM_001267550.2 (MANE Select); 3 bases into the intron after coding-DNA position 67057, A replaced by C.
Molecular consequence: intron variant.
Genome position (GRCh38, 1-based): chr2:178,580,319, T>G on the plus strand (A>C on the coding strand, the complement: TTN is on the minus strand). VCF-style: chr2-178580319-T-G. GRCh37 (hg19) VCF-style: chr2-179445046-T-G.
Other names: c.39862+3A>C (NM_003319.4); c.40438+3A>C (NM_133437.4); c.40237+3A>C (NM_133432.3); c.59353+3A>C (NM_133378.4); c.62134+3A>C (NM_001256850.1).
Identifiers: ClinVar variation 1950538 (VCV001950538.4), dbSNP rs975023983, ClinGen allele CA60957805.

ClinVar aggregate classification (germline): Uncertain significance (1 of 4 stars; one submission).

Conditions:
Dilated cardiomyopathy 1G (CMD1G). Identifiers: Orphanet 154, MedGen C1858763, MONDO:0011400, OMIM 604145.
Autosomal recessive limb-girdle muscular dystrophy type 2J (LGMDR10). Also called: MUSCULAR DYSTROPHY, LIMB-GIRDLE, AUTOSOMAL RECESSIVE 10; Limb-girdle muscular dystrophy, type 2J. Identifiers: Orphanet 140922, MedGen C1837342, MONDO:0012127, OMIM 608807.

Allele frequency attached by ClinVar (database versions not stated): TOPMed 0.00001.

Submission:

Labcorp Genetics (formerly Invitae), Labcorp
Classification: Uncertain significance for Dilated cardiomyopathy 1G; Autosomal recessive limb-girdle muscular dystrophy type 2J. Last evaluated: 2024-05-06. Review status: criteria provided, single submitter. Criteria: Invitae Variant Classification Sherloc (09022015). Collection method: clinical testing. Allele origin: germline.
Comment: This sequence change falls in intron 317 of the TTN gene. It does not directly change the encoded amino acid sequence of the TTN protein. It affects a nucleotide within the consensus splice site. This variant is not present in population databases (gnomAD no frequency). This variant has not been reported in the literature in individuals affected with TTN-related conditions. ClinVar contains an entry for this variant (Variation ID: 1950538). Variants that disrupt the consensus splice site are a relatively common cause of aberrant splicing (PMID: 17576681, 9536098). Algorithms developed to predict the effect of sequence changes on RNA splicing suggest that this variant may disrupt the consensus splice site. This variant is located in the A band of TTN (PMID: 25589632). Variants in this region may be relevant for cardiac or neuromuscular disorders (PMID: 25589632, 23975875). In summary, the available evidence is currently insufficient to determine the role of this variant in disease. Therefore, it has been classified as a Variant of Uncertain Significance.

Literature cited by the submitters: PubMed 17576681; PubMed 9536098; PubMed 25589632; PubMed 23975875.